The following is an entry in ClinVar:

NM_000202.8(IDS):c.1025dup (p.His342fs)

Genes: IDS (iduronate 2-sulfatase; minus strand), LOC106050102 (IDS recombination region; plus strand). Cytogenetic location: Xq28.
Variant type: Duplication.
Coding change: c.1025dup on transcript NM_000202.8 (MANE Select); coding-DNA position 1025, one base duplicated (A; older notation c.1025dupA).
Protein change: p.His342fs; shifts the reading frame from histidine 342.
Molecular consequence: frameshift variant.
Genome position (GRCh38, 1-based): chrX:149,487,080, T duplicated on the plus strand (A on the coding strand, the reverse complement: IDS is on the minus strand). VCF-style (leftmost placement, unchanged base first): chrX-149487079-A-AT. GRCh37 (hg19) VCF-style: chrX-148568610-A-AT.
Other names: c.755dup, p.His252fs (NM_001166550.4); short protein forms H252fs, H342fs.
Identifiers: ClinVar variation 3255926 (VCV003255926.2).
Genomic context (GRCh38, chrX:149,487,079, plus strand): 5'-ATAGAATATCAGGGGAACATGGGTAGCAACATCAAAATTGCTGTATTTGGCCCATTCTCC[A>AT]TGTTCACCTAGAGCCCACCCTAGTTCATAAAAAGCACAGAATGACAGAAAATGAATAATC-3'

ClinVar aggregate classification (germline): Pathogenic (1 of 4 stars; one submission).

Conditions:
Mucopolysaccharidosis, MPS-II (MPS2). Also called: Hunter Syndrome; IDURONATE 2-SULFATASE DEFICIENCY; Mucopolysaccharidosis Type II; Mucopolysaccharidosis type 2; Attenuated MPS (subtype; formerly known as mild MPS II); Severe MPS II. Identifiers: Orphanet 580, Orphanet 79388, MedGen C0026705, MONDO:0010674, OMIM 309900.

Submission:

Laboratory of Diagnosis and Therapy of Lysosomal Disorders, University of Padova
Classification: Pathogenic for Mucopolysaccharidosis, MPS-II. Last evaluated: 2024-06-07. Review status: criteria provided, single submitter. Criteria: ACMG Guidelines, 2015. Collection method: literature only. Allele origin: germline. Affected: yes. Observed: 1 variant allele.
Comment: Null variant (PVS1_VeryStrong), Absent from controls (or at low frequency) in gnomAD database (PM2_Moderate), Patient’s phenotype or family history highly specific for the disease (PP4_Strong)

Classification method: ACMG Guidelines [PMID:25741868] with modifications

Literature cited by the submitters: PubMed 22976768.